The following is an entry in ClinVar:

NM_022047.4(DEF6):c.220_227del (p.Lys74fs)

Gene: DEF6 (DEF6 guanine nucleotide exchange factor; plus strand). Cytogenetic location: 6p21.31.
Variant type: Deletion.
Coding change: c.220_227del on transcript NM_022047.4 (MANE Select); coding-DNA positions 220 to 227, 8 bases deleted (AAGTACAT; older notation c.220_227delAAGTACAT).
Protein change: p.Lys74fs; shifts the reading frame from lysine 74.
Molecular consequence: frameshift variant.
Genome position (GRCh38, 1-based): chr6:35,309,793-35,309,800, AAGTACAT deleted. VCF-style (leftmost placement, unchanged base first): chr6-35309792-CAAGTACAT-C. GRCh37 (hg19) VCF-style: chr6-35277569-CAAGTACAT-C.
Other names: short protein forms K74fs.
Identifiers: ClinVar variation 3646878 (VCV003646878.2).
Genomic context (GRCh38, chr6:35,309,792, plus strand): 5'-ACACTTCCGAGATGATGATGACGGCCCTGTGTCCAGCCAGGGATACATGCCCTACCTCAA[CAAGTACAT>C]CCTGGACAAGGTGGGGCCCAGCTTGTAGGGAGCATCTGTAACCTCTCCCCACTTTTCCAG-3'

ClinVar aggregate classification (germline): Pathogenic (1 of 4 stars; one submission).

Submission:

Labcorp Genetics (formerly Invitae), Labcorp
Classification: Pathogenic. Last evaluated: 2024-04-30. Review status: criteria provided, single submitter. Criteria: Invitae Variant Classification Sherloc (09022015). Collection method: clinical testing. Allele origin: germline.
Comment: This sequence change creates a premature translational stop signal (p.Lys74Profs*11) in the DEF6 gene. It is expected to result in an absent or disrupted protein product. Loss-of-function variants in DEF6 are known to be pathogenic (PMID: 16470246, 32562707). This variant is not present in population databases (gnomAD no frequency). This variant has not been reported in the literature in individuals affected with DEF6-related conditions. For these reasons, this variant has been classified as Pathogenic.

Literature cited by the submitters: PubMed 16470246; PubMed 32562707.